The following is an entry in ClinVar:

ClinVar aggregate classification (germline): Pathogenic (1 of 4 stars; one submission).

Conditions:
Osteogenesis imperfecta type I (OI1). Also called: Lobstein disease; Classic Non-deforming Osteogenesis Imperfecta with Blue Sclerae; OI, TYPE I; OSTEOGENESIS IMPERFECTA TARDA; OSTEOGENESIS IMPERFECTA WITH BLUE SCLERAE; Osteogenesis imperfecta type 1. Identifiers: Orphanet 216796, Orphanet 666, MedGen C0023931, MONDO:0008146, OMIM 166200. Disease mechanism: loss of function.

Submission:

Labcorp Genetics (formerly Invitae), Labcorp
Classification: Pathogenic for Osteogenesis imperfecta type I. Last evaluated: 2021-02-13. Review status: criteria provided, single submitter. Criteria: Invitae Variant Classification Sherloc (09022015). Collection method: clinical testing. Allele origin: germline.
Comment: For these reasons, this variant has been classified as Pathogenic. This variant has not been reported in the literature in individuals with COL1A1-related conditions. This variant is not present in population databases (ExAC no frequency). This sequence change creates a premature translational stop signal (p.Leu18Hisfs*32) in the COL1A1 gene. It is expected to result in an absent or disrupted protein product. Loss-of-function variants in COL1A1 are known to be pathogenic (PMID: 7942841, 9295084, 9443882).

Literature cited by the submitters: PubMed 7942841; PubMed 9295084; PubMed 9443882.

NM_000088.4(COL1A1):c.52_53insA (p.Leu18fs)

Gene: COL1A1 (collagen type I alpha 1 chain; minus strand). Cytogenetic location: 17q21.33.
Variant type: Insertion.
Coding change: c.52_53insA on transcript NM_000088.4 (MANE Select); coding-DNA positions 52 to 53, A inserted.
Protein change: p.Leu18fs; shifts the reading frame from leucine 18.
Molecular consequence: frameshift variant.
Genome position: GRCh38 VCF-style: chr17-50201461-A-AT. GRCh37 (hg19) VCF-style: chr17-48278822-A-AT.
Other names: short protein forms L18fs.
Identifiers: ClinVar variation 1454355 (VCV001454355.6), dbSNP rs2144600428, ClinGen allele CA2573154180.